The following is an entry in ClinVar:

ClinVar aggregate classification (germline): Uncertain significance. Review status: criteria provided, multiple submitters, no conflicts (2 of 4 stars). 4 submissions from 4 submitters: Uncertain significance (4). Last evaluated 2025-04-25.

Conditions:
Autosomal dominant nonsyndromic hearing loss 3B. Identifiers: Orphanet 90635, MedGen C2675237, MONDO:0012975, OMIM 612643.
Autosomal recessive nonsyndromic hearing loss 1A (DFNB1A). Also called: Nonsyndromic Hearing Loss and Deafness, DFNB1; GJB6-Related DFNB 1 Nonsyndromic Hearing Loss and Deafness; Deafness, autosomal recessive 1A; GJB2-Related Autosomal Recessive Nonsyndromic Hearing Loss; Connexin 26 deafness; Deafness nonsyndromic, Connexin 26 linked. Identifiers: Orphanet 90636, MedGen C2673759, MONDO:0009076, OMIM 220290.
Hidrotic ectodermal dysplasia syndrome (GJB6). Also called: Ectodermal dysplasia 2, hidrotic; Autosomal dominant hidrotic ectodermal dysplasia; Clouston syndrome; Clouston's hidrotic ectodermal dysplasia; CLOUSTON HIDROTIC ECTODERMAL DYSPLASIA; ECTODERMAL DYSPLASIA 2, CLOUSTON TYPE. Identifiers: Orphanet 189, MedGen C0162361, MONDO:0007510, OMIM 129500.
Autosomal recessive nonsyndromic hearing loss 1B. Also called: DEAFNESS, AUTOSOMAL RECESSIVE 1B. Identifiers: Orphanet 90636, MedGen C2675235, MONDO:0012977, OMIM 612645.
Inborn genetic diseases. Identifiers: MedGen C0950123, MeSH D030342.

gnomAD v4.1: 113 of 1,613,900 alleles (0.007%); highest among the groups gnomAD compares: Non-Finnish European, 0.0085%; no homozygotes.

Submissions (4):

Ambry Genetics
Classification: Uncertain significance for Inborn genetic diseases. Last evaluated: 2025-04-25. Review status: criteria provided, single submitter. Criteria: Ambry Variant Classification Scheme 2023. Collection method: clinical testing. Allele origin: germline.

CeGaT Center for Human Genetics Tuebingen
Classification: Uncertain significance. Last evaluated: 2024-07-01. Review status: criteria provided, single submitter. Criteria: CeGaT Center For Human Genetics Tuebingen Variant Classification Criteria Version 2. Collection method: clinical testing. Allele origin: germline. Affected: yes. Observed: 1 variant allele.
Comment: GJB6: PM2

Labcorp Genetics (formerly Invitae), Labcorp
Classification: Uncertain significance for Autosomal dominant nonsyndromic hearing loss 3B; Hidrotic ectodermal dysplasia syndrome; Autosomal recessive nonsyndromic hearing loss 1B; Autosomal recessive nonsyndromic hearing loss 1A. Last evaluated: 2024-06-21. Review status: criteria provided, single submitter. Criteria: Invitae Variant Classification Sherloc (09022015). Collection method: clinical testing. Allele origin: germline.
Comment: This sequence change replaces valine, which is neutral and non-polar, with leucine, which is neutral and non-polar, at codon 190 of the GJB6 protein (p.Val190Leu). This variant is present in population databases (rs144174802, gnomAD 0.009%). This variant has not been reported in the literature in individuals affected with GJB6-related conditions. ClinVar contains an entry for this variant (Variation ID: 2389850). Advanced modeling of protein sequence and biophysical properties (such as structural, functional, and spatial information, amino acid conservation, physicochemical variation, residue mobility, and thermodynamic stability) performed at Invitae indicates that this missense variant is not expected to disrupt GJB6 protein function with a negative predictive value of 80%. In summary, the available evidence is currently insufficient to determine the role of this variant in disease. Therefore, it has been classified as a Variant of Uncertain Significance.

GeneDx
Classification: Uncertain significance. Last evaluated: 2024-04-04. Review status: criteria provided, single submitter. Criteria: GeneDx Variant Classification Process June 2021. Collection method: clinical testing. Allele origin: germline. Affected: yes.
Comment: In silico analysis supports that this missense variant does not alter protein structure/function; Has not been previously published as pathogenic or benign to our knowledge

NM_001110219.3(GJB6):c.568G>T (p.Val190Leu)

Gene: GJB6 (gap junction protein beta 6; minus strand). Cytogenetic location: 13q12.11.
Variant type: single nucleotide variant.
Coding change: c.568G>T on transcript NM_001110219.3 (MANE Select); coding-DNA position 568, G replaced by T.
Protein change: p.Val190Leu; replaces valine 190 with leucine.
Molecular consequence: missense variant.
Genome position (GRCh38, 1-based): chr13:20,222,913, C>A on the plus strand (G>T on the coding strand, the complement: GJB6 is on the minus strand). VCF-style: chr13-20222913-C-A. GRCh37 (hg19) VCF-style: chr13-20797052-C-A.
Other names: c.568G>T, p.Val190Leu (NM_001110220.3, NM_001110221.3, NM_001370090.1 and 3 more transcripts); short protein forms V190L.
Identifiers: ClinVar variation 2389850 (VCV002389850.22), dbSNP rs144174802, ClinGen allele CA6904416.